The following is an entry in ClinVar:

NM_015103.3(PLXND1):c.3505C>T (p.Arg1169Cys)

Gene: PLXND1 (plexin D1; minus strand). Cytogenetic location: 3q22.1.
Variant type: single nucleotide variant.
Coding change: c.3505C>T on transcript NM_015103.3 (MANE Select); coding-DNA position 3505, C replaced by T.
Protein change: p.Arg1169Cys; replaces arginine 1169 with cysteine.
Molecular consequence: missense variant.
Genome position (GRCh38, 1-based): chr3:129,571,135, G>A on the plus strand (C>T on the coding strand, the complement: PLXND1 is on the minus strand). VCF-style: chr3-129571135-G-A. GRCh37 (hg19) VCF-style: chr3-129289978-G-A.
Other names: short protein forms R1169C.
Identifiers: ClinVar variation 779416 (VCV000779416.30), dbSNP rs144843366, ClinGen allele CA2608569.

ClinVar aggregate classification (germline): Benign. Review status: criteria provided, multiple submitters, no conflicts (2 of 4 stars). 4 submissions from 4 submitters: Benign (3). 1 of the submissions does not count toward it. Last evaluated 2026-06-01.

Conditions:
PLXND1-related disorder. Also called: PLXND1-related condition.

Allele frequency attached by ClinVar (database versions not stated): 1000 Genomes Project 0.00619; 1000 Genomes Project 30x 0.00656; ESP Exome Variant Server 0.00753; gnomAD 0.00819; TOPMed 0.00856.
gnomAD v4.1: 19,638 of 1,614,198 alleles (1.2%); highest among the groups gnomAD compares: Non-Finnish European, 1.4%; 147 homozygotes.

Submissions (4):

CeGaT Center for Human Genetics Tuebingen
Classification: Benign. Last evaluated: 2026-06-01. Review status: criteria provided, single submitter. Criteria: CeGaT Center For Human Genetics Tuebingen Variant Classification Criteria Version 2. Collection method: clinical testing. Allele origin: germline. Affected: yes. Observed: 4 variant alleles.
Comment: PLXND1: BP4, BS1, BS2

Labcorp Genetics (formerly Invitae), Labcorp
Classification: Benign. Last evaluated: 2019-12-31. Review status: criteria provided, single submitter. Criteria: Invitae Variant Classification Sherloc (09022015). Collection method: clinical testing. Allele origin: germline.

Breakthrough Genomics
Classification: Benign. Review status: criteria provided, single submitter. Criteria: ACMG Guidelines, 2015. Collection method: not provided. Allele origin: germline. Inheritance: Unknown mechanism. Affected: yes.

PreventionGenetics, part of Exact Sciences
Classification: Benign for PLXND1-related condition. Last evaluated: 2024-06-08. Review status: no assertion criteria provided. Collection method: clinical testing. Allele origin: germline. Not counted in ClinVar's aggregate classification.
Comment: This variant is classified as benign based on ACMG/AMP sequence variant interpretation guidelines (Richards et al. 2015 PMID: 25741868, with internal and published modifications).